The following is an entry in ClinVar:

NM_016222.4(DDX41):c.138+5G>A

Gene: DDX41 (DEAD-box helicase 41; minus strand). Cytogenetic location: 5q35.3.
Variant type: single nucleotide variant.
Coding change: c.138+5G>A on transcript NM_016222.4 (MANE Select); 5 bases into the intron after coding-DNA position 138, G replaced by A.
Molecular consequence: intron variant. On other transcripts: 5 prime UTR variant (1).
Genome position (GRCh38, 1-based): chr5:177,516,720, C>T on the plus strand (G>A on the coding strand, the complement: DDX41 is on the minus strand). VCF-style: chr5-177516720-C-T. GRCh37 (hg19) VCF-style: chr5-176943721-C-T.
Other names: c.-513G>A (NM_001321732.2); c.-310+5G>A (NM_001321830.2); c.138+5G>A (NM_016222.2).
Identifiers: ClinVar variation 1336382 (VCV001336382.16), dbSNP rs187714514, ClinGen allele CA3585368.

ClinVar aggregate classification (germline): Conflicting classifications of pathogenicity. Review status: criteria provided, conflicting classifications (1 of 4 stars). 7 submissions from 7 submitters: Uncertain significance (4); Likely benign (2). 1 of the submissions does not count toward it. Last evaluated 2026-01-12.

Conditions:
DDX41-related hematologic malignancy predisposition syndrome. Also called: Myeloproliferative/lymphoproliferative neoplasms, familial (multiple types), susceptibility to; DDX41-Associated Familial Myelodysplastic Syndrome and Acute Myeloid Leukemia. Identifiers: Orphanet 488647, MedGen C4225174, MONDO:0014809, OMIM 616871.
DDX41-related disorder. Also called: DDX41-related condition.
Inborn genetic diseases. Identifiers: MedGen C0950123, MeSH D030342.

Allele frequency attached by ClinVar (database versions not stated): 1000 Genomes Project 0.00040; 1000 Genomes Project 30x 0.00047.
gnomAD v4.1: 68 of 1,592,108 alleles (0.0043%); highest among the groups gnomAD compares: African/African-American, 0.074%; no homozygotes.

Submissions (7):

Labcorp Genetics (formerly Invitae), Labcorp
Classification: Likely benign. Last evaluated: 2026-01-12. Review status: criteria provided, single submitter. Criteria: Invitae Variant Classification Sherloc (09022015). Collection method: clinical testing. Allele origin: germline.

GeneDx
Classification: Uncertain significance. Last evaluated: 2025-08-15. Review status: criteria provided, single submitter. Criteria: GeneDx Variant Classification Process June 2021. Collection method: clinical testing. Allele origin: germline.
Comment: Reported as a germline variant and co-observed with a DDX41 frameshift variant in a patient with myeloproliferative neoplasm and essential thrombocythemia (PMID: 35671390); In silico analysis supports that this variant does not alter splicing; This variant is associated with the following publications: (PMID: 35671390)

Baylor Genetics
Classification: Uncertain significance for DDX41-related hematologic malignancy predisposition syndrome. Last evaluated: 2024-03-22. Review status: criteria provided, single submitter. Criteria: ACMG Guidelines, 2015. Collection method: clinical testing. Allele origin: unknown.

Ambry Genetics
Classification: Likely benign for Inborn genetic diseases. Last evaluated: 2024-03-20. Review status: criteria provided, single submitter. Criteria: Ambry Variant Classification Scheme 2023. Collection method: clinical testing. Allele origin: germline.

St. Jude Molecular Pathology, St. Jude Children's Research Hospital
Classification: Uncertain significance for DDX41-related hematologic malignancy predisposition syndrome. Last evaluated: 2024-03-06. Review status: criteria provided, single submitter. Criteria: St. Jude Assertion Criteria 2020. Collection method: clinical testing. Allele origin: germline.

Genetic Services Laboratory, University of Chicago
Classification: Uncertain significance. Last evaluated: 2021-08-27. Review status: criteria provided, single submitter. Criteria: ACMG Guidelines, 2015. Collection method: clinical testing. Allele origin: germline. Affected: no.
Comment: This change does not appear to have been previously described in patients with DDX41-related disorders. This sequence change has been described in the gnomAD with a population frequency of 0.086% in the African subpopulation (dbSNP rs187714514). Based on in silico splice prediction programs, this sequence change may impact normal splicing of the DDX41 gene, which may result in an abnormal protein, however functional studies have not been performed to prove this conclusively. The functional significance of this sequence change is not known at present and its contribution to this patient's disease phenotype cannot definitively be determined.

PreventionGenetics, part of Exact Sciences
Classification: Likely benign for DDX41-related condition. Last evaluated: 2022-02-17. Review status: no assertion criteria provided. Collection method: clinical testing. Allele origin: germline. Not counted in ClinVar's aggregate classification.
Comment: This variant is classified as likely benign based on ACMG/AMP sequence variant interpretation guidelines (Richards et al. 2015 PMID: 25741868, with internal and published modifications).